The following is an entry in ClinVar:

ClinVar aggregate classification (germline): Pathogenic. Review status: criteria provided, multiple submitters, no conflicts (2 of 4 stars). 12 submissions from 12 submitters: Pathogenic (10). 2 of the submissions do not count toward it. Last evaluated 2025-06-03.

Conditions:
DYNC2H1-related disorder. Also called: DYNC2H1-related condition; DYNC2H1-related disorders. Identifiers: MedGen CN378770.
Jeune thoracic dystrophy. Also called: Short-rib thoracic dysplasia; Jeune syndrome; Infantile thoracic dystrophy; Thoracic pelvic phalangeal dystrophy; Jeune's syndrome; Chondroectodermal dysplasia-like syndrome. Identifiers: Orphanet 474, MedGen C0265275, MONDO:0018770.
Asphyxiating thoracic dystrophy 3. Also called: SHORT-RIB THORACIC DYSPLASIA 3 WITH OR WITHOUT POLYDACTYLY; POLYDACTYLY WITH NEONATAL CHONDRODYSTROPHY, TYPE I; SHORT-RIB THORACIC DYSPLASIA 3/6 WITH POLYDACTYLY, DIGENIC; Short rib polydactyly syndrome 2B; Saldino-Noonan Syndrome. Identifiers: Orphanet 474, Orphanet 93269, Orphanet 93270, Orphanet 93271, MedGen C0036069, MONDO:0013127, OMIM 613091.

Allele frequency attached by ClinVar (database versions not stated): gnomAD 0.00001 and 0.00016; gnomAD exomes 0.00001; TOPMed 0.00026.
gnomAD v4.1: 42 of 1,611,574 alleles (0.0026%); highest among the groups gnomAD compares: African/African-American, 0.0027%; no homozygotes.

Submissions (12):

PreventionGenetics, part of Exact Sciences
Classification: Pathogenic for DYNC2H1-related condition. Last evaluated: 2025-06-03. Review status: criteria provided, single submitter. Criteria: ACMG Guidelines, 2015. Collection method: clinical testing. Allele origin: germline.
Comment: The DYNC2H1 c.10219C>T variant is predicted to result in premature protein termination (p.Arg3407*). This variant has been reported in an individual with short rib-polydactyly syndrome, type 3 (SRPS III) (Figure 2, Zhang et al. 2018. PubMed ID: 29068549), and has been reported as a heterozygous neonatal finding in another case with SRPS III who also had a second heterozygous DYNC2H1 variant in trans (Case R06-537A in Table S2, Gabriel et al. 2021. PubMed ID: 34958143). This variant is reported in 0.0018% of alleles in individuals of European (Non-Finnish) descent in gnomAD and is interpreted as pathogenic in ClinVar. Nonsense variants in DYNC2H1 are expected to be pathogenic. This variant is interpreted as pathogenic.

Women's Health and Genetics/Laboratory Corporation of America, LabCorp
Classification: Pathogenic for Asphyxiating thoracic dystrophy 3. Last evaluated: 2025-03-19. Review status: criteria provided, single submitter. Criteria: LabCorp Variant Classification Summary - May 2015. Collection method: clinical testing. Allele origin: germline.
Comment: Variant summary: DYNC2H1 c.10219C>T (p.Arg3407X) results in a premature termination codon, predicted to cause a truncation of the encoded protein or absence of the protein due to nonsense mediated decay, which are commonly known mechanisms for disease. The variant allele was found at a frequency of 8e-06 in 248474 control chromosomes. c.10219C>T has been reported in the literature in individuals affected with Short-rib thoracic dysplasia. To our knowledge, no experimental evidence demonstrating an impact on protein function has been reported. ClinVar contains an entry for this variant (Variation ID: 423715). Based on the evidence outlined above, the variant was classified as pathogenic.

Blueprint Genetics
Classification: Pathogenic for DYNC2H1-related disorders. Last evaluated: 2024-10-25. Review status: criteria provided, single submitter. Criteria: ACMG Guidelines, 2015. Collection method: clinical testing. Allele origin: germline. Affected: yes. Observed: 2 variant alleles.

Labcorp Genetics (formerly Invitae), Labcorp
Classification: Pathogenic for Jeune thoracic dystrophy. Last evaluated: 2024-07-15. Review status: criteria provided, single submitter. Criteria: Invitae Variant Classification Sherloc (09022015). Collection method: clinical testing. Allele origin: germline.
Comment: This sequence change creates a premature translational stop signal (p.Arg3407*) in the DYNC2H1 gene. It is expected to result in an absent or disrupted protein product. Loss-of-function variants in DYNC2H1 are known to be pathogenic (PMID: 23339108, 32753734, 33755199). This variant is present in population databases (no rsID available, gnomAD 0.002%). This premature translational stop signal has been observed in individual(s) with short-rib polydactyly syndrome (PMID: 29068549). ClinVar contains an entry for this variant (Variation ID: 423715). For these reasons, this variant has been classified as Pathogenic.

Fulgent Genetics
Classification: Pathogenic for Asphyxiating thoracic dystrophy 3. Last evaluated: 2024-06-19. Review status: criteria provided, single submitter. Criteria: ACMG Guidelines, 2015. Collection method: clinical testing. Allele origin: germline.

Myriad Genetics, Inc.
Classification: Pathogenic for Asphyxiating thoracic dystrophy 3. Last evaluated: 2024-06-09. Review status: criteria provided, single submitter. Criteria: Myriad Autosomal Dominant, Autosomal Recessive and X-Linked Classification Criteria (2023). Collection method: clinical testing. Allele origin: unknown.
Comment: NM_001377.2(DYNC2H1):c.10198C>T(R3400*) is expected to be pathogenic in the context of DYNC2H1-related disorders. This variant is predicted to lead to an abnormal or absent protein product due to the creation of a premature termination codon in DYNC2H1, a gene where loss-of-function variants are known to be pathogenic. Please note: this variant was assessed in the context of healthy population screening.

Revvity Omics, Revvity
Classification: Pathogenic for Asphyxiating thoracic dystrophy 3. Last evaluated: 2020-10-13. Review status: criteria provided, single submitter. Criteria: ACMG Guidelines, 2015. Collection method: clinical testing. Allele origin: germline.

CeGaT Center for Human Genetics Tuebingen
Classification: Pathogenic. Last evaluated: 2019-12-01. Review status: criteria provided, single submitter. Criteria: CeGaT Center For Human Genetics Tuebingen Variant Classification Criteria Version 2. Collection method: clinical testing. Allele origin: germline. Affected: yes. Observed: 4 variant alleles.

GeneDx
Classification: Pathogenic. Last evaluated: 2018-12-07. Review status: criteria provided, single submitter. Criteria: GeneDx Variant Classification (06012015). Collection method: clinical testing. Allele origin: germline. Affected: yes.
Comment: A novel R3407X pathogenic variant was identified in the DYNC2H1 gene. It has not been published as a pathogenic variant, nor has it been reported as a benign variant to our knowledge. The R3407X nonsense variant is predicted to cause loss of normal protein function either through protein truncation or nonsense-mediated mRNA decay. The R3407X variant is not observed in large population cohorts (Lek et al., 2016; 1000 Genomes Consortium et al., 2015; Exome Variant Server).Other known loss of function variants in this region have been reported in the Human Gene Mutation Database in association with asphyxiating thoracic dystrophy (Stenson et al., 2014), supporting the functional importance of this region of the protein.

Juno Genomics, Hangzhou Juno Genomics, Inc
Classification: Pathogenic for Asphyxiating thoracic dystrophy 3. Review status: criteria provided, single submitter. Criteria: ACMG Guidelines, 2015. Collection method: clinical testing. Allele origin: germline. Affected: yes.
Comment: Null variant in a gene where loss of function (LOF) is a known mechanism of disease.;Absent from controls (or at extremely low frequency if recessive) in Genome Aggregation Database, Exome Sequencing Project, 1000 Genomes Project, or Exome Aggregation Consortium.;For recessive disorders, detected in trans with a pathogenic variant.;Co-segregation with disease in multiple affected family members in a gene definitively known to cause the disease.

Dan Cohn Lab, University Of California Los Angeles
Classification: Pathogenic for Asphyxiating thoracic dystrophy 3. Last evaluated: 2017-06-01. Review status: no assertion criteria provided. Collection method: research. Allele origin: maternal. Affected: yes. Not counted in ClinVar's aggregate classification.

University of Washington Center for Mendelian Genomics, University of Washington
Classification: Likely pathogenic for Asphyxiating thoracic dystrophy 3. Review status: no assertion criteria provided. Collection method: research. Allele origin: inherited. Affected: yes. Not counted in ClinVar's aggregate classification.

Literature cited by the submitters: PubMed 29068549 (cited by 4 submitters); PubMed 23339108 (cited by Labcorp Genetics (formerly Invitae), Labcorp); PubMed 32753734 (cited by Labcorp Genetics (formerly Invitae), Labcorp); PubMed 33755199 (cited by Labcorp Genetics (formerly Invitae), Labcorp).

NM_001377.3(DYNC2H1):c.10198C>T (p.Arg3400Ter)

Gene: DYNC2H1 (dynein cytoplasmic 2 heavy chain 1; plus strand). Cytogenetic location: 11q22.3.
Variant type: single nucleotide variant.
Coding change: c.10198C>T on transcript NM_001377.3 (MANE Select); coding-DNA position 10198, C replaced by T.
Protein change: p.Arg3400Ter; replaces arginine 3400 with a stop codon.
Molecular consequence: nonsense.
Genome position (GRCh38, 1-based): chr11:103,253,440, C>T. VCF-style: chr11-103253440-C-T. GRCh37 (hg19) VCF-style: chr11-103124169-C-T.
Other names: c.10219C>T, p.Arg3407Ter (NM_001080463.2); short protein forms R3407*, R3400*.
Identifiers: ClinVar variation 423715 (VCV000423715.62), dbSNP rs943680446, ClinGen allele CA16619091.
Genomic context (GRCh38, chr11:103,253,440, plus strand): 5'-CCACCGGATGCAGCTTCCATTGTTACTGAGGTTAACTTTACTACAACAAGAAGTGGATTA[C>T]GAGGGCAGGTATACATAGATAATAATAATTTACCTTGGAATCTTTTCGAGCTTTATATAC-3'